The following is an entry in ClinVar:

ClinVar aggregate classification (germline): Uncertain significance (1 of 4 stars; one submission).

Submission:

Ambry Genetics
Classification: Uncertain significance. Last evaluated: 2024-10-28. Review status: criteria provided, single submitter. Criteria: Ambry Variant Classification Scheme 2023. Collection method: clinical testing. Allele origin: germline.
Comment: The p.S11W variant (also known as c.32C>G), located in coding exon 1 of the FAM175A gene, results from a C to G substitution at nucleotide position 32. The serine at codon 11 is replaced by tryptophan, an amino acid with highly dissimilar properties. This amino acid position is conserved. In addition, the in silico prediction for this alteration is inconclusive. Based on the available evidence, the clinical significance of this variant remains unclear.

NM_139076.3(ABRAXAS1):c.32C>G (p.Ser11Trp)

Genes: ABRAXAS1 (abraxas 1, BRCA1 A complex subunit; minus strand), LOC129992784 (ATAC-STARR-seq lymphoblastoid silent region 15542; plus strand). Cytogenetic location: 4q21.23.
Variant type: single nucleotide variant.
Coding change: c.32C>G on transcript NM_139076.3 (MANE Select); coding-DNA position 32, C replaced by G.
Protein change: p.Ser11Trp; replaces serine 11 with tryptophan.
Molecular consequence: missense variant. On other transcripts: 5 prime UTR variant (1).
Genome position (GRCh38, 1-based): chr4:83,485,041, G>C on the plus strand (C>G on the coding strand, the complement: ABRAXAS1 is on the minus strand). VCF-style: chr4-83485041-G-C. GRCh37 (hg19) VCF-style: chr4-84406194-G-C.
Other names: c.-229C>G (NM_001345962.2); short protein forms S11W.
Identifiers: ClinVar variation 3445223 (VCV003445223.1).